The following is an entry in ClinVar:

ClinVar aggregate classification (germline): Likely benign. Review status: criteria provided, multiple submitters, no conflicts (2 of 4 stars). 6 submissions from 6 submitters: Likely benign (4). 2 of the submissions do not count toward it. Last evaluated 2025-09-17.

Conditions:
Ehlers-Danlos syndrome, classic type, 1 (EDSCL1). Also called: Ehlers-Danlos Syndrome, Classic Type, COL5A1-Related; EHLERS-DANLOS SYNDROME, GRAVIS TYPE; EHLERS-DANLOS SYNDROME, SEVERE CLASSIC TYPE; Ehlers-Danlos syndrome, type 1; EDS I. Identifiers: MedGen C0268335, MONDO:0019567, OMIM 130000.
Familial thoracic aortic aneurysm and aortic dissection (TAAD). Also called: Thoracic aortic aneurysms and dissections. Identifiers: Orphanet 91387, MedGen C4707243, MONDO:0019625.

Allele frequency attached by ClinVar (database versions not stated): gnomAD exomes 0.00003; TOPMed 0.00003; ExAC below 0.00001; gnomAD 0.00004.
gnomAD v4.1: 59 of 1,551,004 alleles (0.0038%); highest among the groups gnomAD compares: Admixed American, 0.0098%; no homozygotes.

Submissions (6):

Labcorp Genetics (formerly Invitae), Labcorp
Classification: Likely benign for Ehlers-Danlos syndrome, classic type, 1. Last evaluated: 2025-09-17. Review status: criteria provided, single submitter. Criteria: Invitae Variant Classification Sherloc (09022015). Collection method: clinical testing. Allele origin: germline.

Ambry Genetics
Classification: Likely benign for Familial thoracic aortic aneurysm and aortic dissection. Last evaluated: 2025-02-22. Review status: criteria provided, single submitter. Criteria: Ambry Variant Classification Scheme 2023. Collection method: clinical testing. Allele origin: germline.

Women's Health and Genetics/Laboratory Corporation of America, LabCorp
Classification: Likely benign. Last evaluated: 2025-02-03. Review status: criteria provided, single submitter. Criteria: LabCorp Variant Classification Summary - May 2015. Collection method: clinical testing. Allele origin: germline.

GeneDx
Classification: Likely benign. Last evaluated: 2019-11-01. Review status: criteria provided, single submitter. Criteria: GeneDx Variant Classification Process June 2021. Collection method: clinical testing. Allele origin: germline. Affected: yes.
Comment: This variant is associated with the following publications: (PMID: 29924831)

Clinical Genetics DNA and cytogenetics Diagnostics Lab, Erasmus MC, Erasmus Medical Center
Classification: Likely benign. Review status: no assertion criteria provided. Collection method: clinical testing. Allele origin: germline. Affected: yes. Study: VKGL Data-share Consensus. Not counted in ClinVar's aggregate classification.

Genome Diagnostics Laboratory, Amsterdam University Medical Center
Classification: Likely benign. Review status: no assertion criteria provided. Collection method: clinical testing. Allele origin: germline. Affected: yes. Study: VKGL Data-share Consensus. Not counted in ClinVar's aggregate classification.

NM_000093.5(COL5A1):c.3987C>T (p.Pro1329=)

Gene: COL5A1 (collagen type V alpha 1 chain; plus strand). Cytogenetic location: 9q34.3.
Variant type: single nucleotide variant.
Coding change: c.3987C>T on transcript NM_000093.5 (MANE Select); coding-DNA position 3987, C replaced by T.
Protein change: p.Pro1329=; no amino-acid change (proline 1329 retained).
Molecular consequence: synonymous variant.
Genome position (GRCh38, 1-based): chr9:134,814,877, C>T. VCF-style: chr9-134814877-C-T. GRCh37 (hg19) VCF-style: chr9-137706723-C-T.
Other names: c.3987C>T, p.Pro1329= (NM_001278074.1).
Identifiers: ClinVar variation 264002 (VCV000264002.23), dbSNP rs770802769, ClinGen allele CA5320083.